The following is an entry in ClinVar:

ClinVar aggregate classification (germline): Uncertain significance (1 of 4 stars; one submission).

gnomAD v4.1: 1 of 1,602,354 alleles (0.000062%); highest among the groups gnomAD compares: Admixed American, 0.0017%; no homozygotes.

Submission:

Labcorp Genetics (formerly Invitae), Labcorp
Classification: Uncertain significance. Last evaluated: 2022-07-06. Review status: criteria provided, single submitter. Criteria: Invitae Variant Classification Sherloc (09022015). Collection method: clinical testing. Allele origin: germline.
Comment: In summary, the available evidence is currently insufficient to determine the role of this variant in disease. Therefore, it has been classified as a Variant of Uncertain Significance. Algorithms developed to predict the effect of missense changes on protein structure and function are either unavailable or do not agree on the potential impact of this missense change (SIFT: "Deleterious"; PolyPhen-2: "Probably Damaging"; Align-GVGD: "Class C0"). ClinVar contains an entry for this variant (Variation ID: 1493299). This variant has not been reported in the literature in individuals affected with CEP78-related conditions. The frequency data for this variant in the population databases is considered unreliable, as metrics indicate poor data quality at this position in the gnomAD database. This sequence change replaces proline, which is neutral and non-polar, with glutamine, which is neutral and polar, at codon 30 of the CEP78 protein (p.Pro30Gln).

NM_001330691.3(CEP78):c.89C>A (p.Pro30Gln)

Gene: CEP78 (centrosomal protein 78; plus strand). Cytogenetic location: 9q21.2.
Variant type: single nucleotide variant.
Coding change: c.89C>A on transcript NM_001330691.3 (MANE Select); coding-DNA position 89, C replaced by A.
Protein change: p.Pro30Gln; replaces proline 30 with glutamine.
Molecular consequence: missense variant.
Genome position (GRCh38, 1-based): chr9:78,236,439, C>A. VCF-style: chr9-78236439-C-A. GRCh37 (hg19) VCF-style: chr9-80851355-C-A.
Other names: c.89C>A, p.Pro30Gln (NM_001098802.3, NM_001330693.3, NM_001330694.2 and 4 more transcripts); short protein forms P30Q.
Identifiers: ClinVar variation 1493299 (VCV001493299.8), dbSNP rs201121890, ClinGen allele CA373999246.
Genomic context (GRCh38, chr9:78,236,439, plus strand): 5'-ACAGCGCGGCGGACTTCTTCTCCCACTACGAGTACCTGTGCGCGCTGCAGAACTCGGTGC[C>A]GCTGCCCGCCGTGCGCGCCTGTCTCCGGGAGGGCGTGCTGGATTTCAACGCCGACCGCCT-3'
Protein context (NP_001317620.1, residues 20-40): EYLCALQNSV[Pro30Gln]LPAVRACLRE